The following is an entry in ClinVar:

NM_025212.4(CXXC4):c.339C>G (p.Gly113=)

Genes: CXXC4 (CXXC finger protein 4; minus strand), CXXC4-AS1 (CXXC4 antisense RNA 1; plus strand). Cytogenetic location: 4q24.
Variant type: single nucleotide variant.
Coding change: c.339C>G on transcript NM_025212.4 (MANE Select); coding-DNA position 339, C replaced by G.
Protein change: p.Gly113=; no amino-acid change (glycine 113 retained).
Molecular consequence: synonymous variant.
Genome position (GRCh38, 1-based): chr4:104,491,464, G>C on the plus strand (C>G on the coding strand, the complement: CXXC4 is on the minus strand). VCF-style: chr4-104491464-G-C. GRCh37 (hg19) VCF-style: chr4-105412621-G-C.
Identifiers: ClinVar variation 2654995 (VCV002654995.24), dbSNP rs1001123866, ClinGen allele CA103293266.
Genomic context (GRCh38, chr4:104,491,464, plus strand): 5'-GCCCCCACCACCCCCGCCCCCGCCTCCGCCGCCGCCGCCGCCGCCGCCACCCCCCCCGCC[G>C]CCGCCCCCGCCCCCGCCGCTGCCCCAGAGCATGGCGGTGGCGGCGGCGGCGGTGGCCGCG-3'
Protein context (NP_079488.2, residues 103-123): MLWGSGGGGG[Gly113=]GGGGGGGGGG

ClinVar aggregate classification (germline): Likely benign (1 of 4 stars; one submission).

Submission:

CeGaT Center for Human Genetics Tuebingen
Classification: Likely benign. Last evaluated: 2024-12-01. Review status: criteria provided, single submitter. Criteria: CeGaT Center For Human Genetics Tuebingen Variant Classification Criteria Version 2. Collection method: clinical testing. Allele origin: germline. Affected: yes. Observed: 2 variant alleles.
Comment: CXXC4: BP4, BP7